The following is an entry in ClinVar:

ClinVar aggregate classification (germline): Uncertain significance (0 of 4 stars; one submission).

Conditions:
Prostate cancer. Also called: Malignant tumor of prostate. Identifiers: Orphanet 1331, MedGen C0376358, MONDO:0008315, HP:0012125.

Submission:

Science for Life laboratory,  Karolinska Institutet
Classification: Uncertain significance for Malignant tumor of prostate. Review status: no assertion criteria provided. Collection method: not provided. Allele origin: somatic.
Comment: TumorID:SWE-17
ClinVar note: Converted during submission from Unknown to Uncertain significance.

NM_000226.4(KRT9):c.1141G>T (p.Glu381Ter)

Gene: KRT9 (keratin 9; minus strand). Cytogenetic location: 17q21.2.
Variant type: single nucleotide variant.
Coding change: c.1141G>T on transcript NM_000226.4 (MANE Select); coding-DNA position 1141, G replaced by T.
Protein change: p.Glu381Ter; replaces glutamic acid 381 with a stop codon.
Molecular consequence: nonsense.
Genome position (GRCh38, 1-based): chr17:41,568,537, C>A on the plus strand (G>T on the coding strand, the complement: KRT9 is on the minus strand). VCF-style: chr17-41568537-C-A. GRCh37 (hg19) VCF-style: chr17-39724789-C-A.
Other names: short protein forms E381*.
Identifiers: ClinVar variation 161462 (VCV000161462.2), dbSNP rs193920878, ClinGen allele CA174082.